The following is an entry in ClinVar:

ClinVar aggregate classification (germline): Likely benign (1 of 4 stars; one submission).

Conditions:
Progressive sclerosing poliodystrophy (MTDPS4A). Also called: Alpers-Huttenlocher Syndrome (AHS); Alpers Syndrome; ALPERS PROGRESSIVE INFANTILE POLIODYSTROPHY; Mitochondrial DNA depletion syndrome 4A (Alpers type); ALPERS DIFFUSE DEGENERATION OF CEREBRAL GRAY MATTER WITH HEPATIC CIRRHOSIS; Alpers-Huttenlocher Syndrome. Identifiers: Orphanet 726, MedGen C0205710, MONDO:0008758, OMIM 203700.

Allele frequency attached by ClinVar (database versions not stated): ExAC below 0.00001; gnomAD 0.00001; gnomAD exomes 0.00001.
gnomAD v4.1: 8 of 1,535,970 alleles (0.00052%); highest among the groups gnomAD compares: Non-Finnish European, 0.00035%; no homozygotes.

Submission:

Wong Mito Lab, Molecular and Human Genetics, Baylor College of Medicine
Classification: Likely benign for Progressive sclerosing poliodystrophy. Last evaluated: 2018-10-01. Review status: criteria provided, single submitter. Criteria: ACMG Guidelines, 2015. Collection method: clinical testing. Allele origin: germline.
Comment: The NM_002693.2:c.31G>A (NP_002684.1:p.Gly11Ser) [GRCH38: NC_000015.10:g.89333724C>T] variant in POLG gene is interpretated to be a Likely Benign based on ACMG guidelines (PMID: 25741868). This variant meets the following evidence codes reported in the ACMG-guideline. BS1:The minor allele frequency of this allele is high for Mitochondrial DNA depletion syndrome 4A (Alpers type). BP4:Computational evidence/predictors indicate no impact on the POLG structure, function, or protein-protein interaction. BP2:The variant is observed in trans/cis with a dominant variant. Based on the evidence criteria codes applied, the variant is suggested to be Likely Benign.

NM_002693.3(POLG):c.31G>A (p.Gly11Ser)

Genes: POLGARF (POLG alternative reading frame; minus strand), POLG (DNA polymerase gamma, catalytic subunit; minus strand). Cytogenetic location: 15q26.1.
Variant type: single nucleotide variant.
Coding change: c.31G>A on transcript NM_002693.3 (MANE Select); coding-DNA position 31, G replaced by A.
Protein change: p.Gly11Ser; replaces glycine 11 with serine.
Molecular consequence: missense variant.
Genome position (GRCh38, 1-based): chr15:89,333,724, C>T on the plus strand (G>A on the coding strand, the complement: POLG is on the minus strand). VCF-style: chr15-89333724-C-T. GRCh37 (hg19) VCF-style: chr15-89876955-C-T.
Other names: c.31G>A, p.Gly11Ser (NM_001126131.2); short protein forms G11S.
Identifiers: ClinVar variation 619334 (VCV000619334.1), dbSNP rs764055826, ClinGen allele CA7725213.
Genomic context (GRCh38, chr15:89,333,724, plus strand): 5'-GGACGGAGCTGGAGACCCAGCGCCCCGGAGCTGGAACCGGCCCTGGCCCGACGGTGGCGC[C>T]GGCCACCTTCCTCCAGAGCAGGCGGCTCATGGTTGGTGCAGGGACCCCCACGCTGGGAGT-3'
Protein context (NP_002684.1, residues 1-21): MSRLLWRKVA[Gly11Ser]ATVGPGPVPA